The following is an entry in ClinVar:

NM_001128178.3(NPHP1):c.910C>G (p.Gln304Glu)

Gene: NPHP1 (nephrocystin 1; minus strand). Cytogenetic location: 2q13.
Variant type: single nucleotide variant.
Coding change: c.910C>G on transcript NM_001128178.3 (MANE Select); coding-DNA position 910, C replaced by G.
Protein change: p.Gln304Glu; replaces glutamine 304 with glutamic acid.
Molecular consequence: missense variant.
Genome position (GRCh38, 1-based): chr2:110,161,647, G>C on the plus strand (C>G on the coding strand, the complement: NPHP1 is on the minus strand). VCF-style: chr2-110161647-G-C. GRCh37 (hg19) VCF-style: chr2-110919224-G-C.
Other names: c.1078C>G, p.Gln360Glu (NM_000272.5); c.721C>G, p.Gln241Glu (NM_001128179.3); c.907C>G, p.Gln303Glu (NM_001374256.1); c.910C>G, p.Gln304Glu (NM_001374257.1); c.1075C>G, p.Gln359Glu (NM_207181.4); short protein forms Q304E, Q360E, Q241E, Q303E, Q359E.
Identifiers: ClinVar variation 4982901 (VCV004982901.1).
Genomic context (GRCh38, chr2:110,161,647, plus strand): 5'-TAGTAACTATACTTACAGTGCCTTCTGTAGCATCCCACATCAGATCTCTGAAGGCCAGTT[G>C]TGAAGGCATGAGCTCTGGTTGTAAGAAGTAATTTGCTCGAAATTGATTCCCTGAAAAAAT-3'
Protein context (NP_001121650.1, residues 294-314): YFLQPELMPS[Gln304Glu]LAFRDLMWDA

ClinVar aggregate classification (germline): Uncertain significance (1 of 4 stars; one submission).

Conditions:
NPHP1-related disorder. Also called: NPHP1-related disorders; NPHP1-related condition.

Submission:

PreventionGenetics, part of Exact Sciences
Classification: Uncertain significance for NPHP1-related condition. Last evaluated: 2025-10-27. Review status: criteria provided, single submitter. Criteria: ACMG Guidelines, 2015. Collection method: clinical testing. Allele origin: germline.
Comment: The NPHP1 c.1078C>G variant is predicted to result in the amino acid substitution p.Gln360Glu. To our knowledge, this variant has not been reported in the literature. This variant is reported in 0.0062% of alleles in individuals of African descent in gnomAD. At this time, the clinical significance of this variant is uncertain due to the absence of conclusive functional and genetic evidence.